The following is an entry in ClinVar:

ClinVar aggregate classification (germline): Uncertain significance (1 of 4 stars; one submission).

Conditions:
Ehlers-Danlos syndrome, type 4 (EDSVASC). Also called: Ehlers-Danlos syndrome vascular type; Ehlers Danlos syndrome, ecchymotic type; Ehlers Danlos syndrome, arterial type; Ehlers Danlos syndrome, Sack-Barabas type; Ehlers-Danlos Syndrome Type IV. Identifiers: Orphanet 286, MedGen C0268338, MONDO:0017314, OMIM 130050.

Submission:

All of Us Research Program, National Institutes of Health
Classification: Uncertain significance for Ehlers-Danlos syndrome, type 4. Last evaluated: 2024-08-23. Review status: criteria provided, single submitter. Criteria: ACMG Guidelines, 2015. Collection method: clinical testing. Allele origin: germline. Inheritance: Autosomal dominant inheritance. Observed: 1 variant allele, 1 heterozygote.
Comment: This missense variant replaces lysine with glutamic acid at codon 1239 of the COL3A1 protein. Computational prediction suggests that this variant may have deleterious impact on protein structure and function (internally defined REVEL score threshold >= 0.7, PMID: 27666373). To our knowledge, functional studies have not been reported for this variant. This variant has not been reported in individuals affected with COL3A1-related disorders in the literature. This variant has not been identified in the general population by the Genome Aggregation Database (gnomAD). The available evidence is insufficient to determine the role of this variant in disease conclusively. Therefore, this variant is classified as a Variant of Uncertain Significance.

This study involves interpretation of variants in research participants for the purpose of population health screening. Participant phenotype was not available at the time of variant classification. Additional details can be found in publication PMID: 35346344, PMCID: PMC8962531

NM_000090.4(COL3A1):c.3715A>G (p.Lys1239Glu)

Gene: COL3A1 (collagen type III alpha 1 chain; plus strand). Cytogenetic location: 2q32.2.
Variant type: single nucleotide variant.
Coding change: c.3715A>G on transcript NM_000090.4 (MANE Select); coding-DNA position 3715, A replaced by G.
Protein change: p.Lys1239Glu; replaces lysine 1239 with glutamic acid.
Molecular consequence: missense variant.
Genome position (GRCh38, 1-based): chr2:189,009,113, A>G. VCF-style: chr2-189009113-A-G. GRCh37 (hg19) VCF-style: chr2-189873839-A-G.
Other names: short protein forms K1239E.
Identifiers: ClinVar variation 3386494 (VCV003386494.1).